The following is an entry in ClinVar:

NM_006420.3(ARFGEF2):c.2560C>T (p.Leu854=)

Gene: ARFGEF2 (ARF guanine nucleotide exchange factor 2; plus strand). Cytogenetic location: 20q13.13.
Variant type: single nucleotide variant.
Coding change: c.2560C>T on transcript NM_006420.3 (MANE Select); coding-DNA position 2560, C replaced by T.
Protein change: p.Leu854=; no amino-acid change (leucine 854 retained).
Molecular consequence: synonymous variant.
Genome position (GRCh38, 1-based): chr20:48,989,311, C>T. VCF-style: chr20-48989311-C-T. GRCh37 (hg19) VCF-style: chr20-47605848-C-T.
Other names: c.2557C>T, p.Leu853= (NM_001410846.1).
Identifiers: ClinVar variation 2652385 (VCV002652385.24), dbSNP rs1182708903, ClinGen allele CA511014390.

ClinVar aggregate classification (germline): Likely benign (1 of 4 stars; one submission).

Allele frequency attached by ClinVar (database versions not stated): gnomAD 0.00001; TOPMed 0.00003; gnomAD exomes 0.00005.
gnomAD v4.1: 80 of 1,614,018 alleles (0.005%); highest among the groups gnomAD compares: Non-Finnish European, 0.0061%; no homozygotes.

Submission:

CeGaT Center for Human Genetics Tuebingen
Classification: Likely benign. Last evaluated: 2023-08-01. Review status: criteria provided, single submitter. Criteria: CeGaT Center For Human Genetics Tuebingen Variant Classification Criteria Version 2. Collection method: clinical testing. Allele origin: germline. Affected: yes. Observed: 1 variant allele.
Comment: ARFGEF2: BP4, BP7